The following is an entry in ClinVar:

NM_001009944.3(PKD1):c.5565C>T (p.Val1855=)

Gene: PKD1 (polycystin 1, transient receptor potential channel interacting; minus strand). Cytogenetic location: 16p13.3.
Variant type: single nucleotide variant.
Coding change: c.5565C>T on transcript NM_001009944.3 (MANE Select); coding-DNA position 5565, C replaced by T.
Protein change: p.Val1855=; no amino-acid change (valine 1855 retained).
Molecular consequence: synonymous variant.
Genome position (GRCh38, 1-based): chr16:2,109,602, G>A on the plus strand (C>T on the coding strand, the complement: PKD1 is on the minus strand). VCF-style: chr16-2109602-G-A. GRCh37 (hg19) VCF-style: chr16-2159603-G-A.
Other names: c.5565C>T, p.Val1855= (NM_000296.4).
Identifiers: ClinVar variation 3040975 (VCV003040975.2), dbSNP rs1002703427, ClinGen allele CA493047909.

ClinVar aggregate classification (germline): Likely benign (0 of 4 stars; one submission).

Conditions:
PKD1-related disorder. Also called: PKD1-related condition.

gnomAD v4.1: 2 of 1,610,692 alleles (0.00012%); highest among the groups gnomAD compares: South Asian, 0.0022%; no homozygotes.

Submission:

PreventionGenetics, part of Exact Sciences
Classification: Likely benign for PKD1-related condition. Last evaluated: 2020-01-02. Review status: no assertion criteria provided. Collection method: clinical testing. Allele origin: germline.
Comment: This variant is classified as likely benign based on ACMG/AMP sequence variant interpretation guidelines (Richards et al. 2015 PMID: 25741868, with internal and published modifications).